The following is an entry in ClinVar:

NM_001034853.2(RPGR):c.1835dup (p.Asn612fs)

Gene: RPGR (retinitis pigmentosa GTPase regulator; minus strand). Cytogenetic location: Xp11.4.
Variant type: Duplication.
Coding change: c.1835dup on transcript NM_001034853.2 (MANE Select); coding-DNA position 1835, one base duplicated (A; older notation c.1835dupA).
Protein change: p.Asn612fs; shifts the reading frame from asparagine 612.
Molecular consequence: frameshift variant. On other transcripts: non-coding transcript variant (2), intron variant (5).
Genome position (GRCh38, 1-based): chrX:38,287,164, T duplicated on the plus strand (A on the coding strand, the reverse complement: RPGR is on the minus strand); the first of 4 consecutive T bases (chrX:38,287,164-38,287,167); duplicating any one gives the same sequence. VCF-style (leftmost placement, unchanged base first): chrX-38287163-A-AT. GRCh37 (hg19) VCF-style: chrX-38146416-A-AT.
Other names: NM_001034853.2(RPGR):c.1835dup; p.Asn612fs; c.1835dup, p.Asn612fs (NM_000328.3); c.1832dup, p.Asn611fs (NM_001367245.1); c.1649dup, p.Asn550fs (NM_001367246.1); c.1569+3792dup (NM_001367249.1, NM_001367250.1); c.1386+3792dup (NM_001367251.1); c.1572+3792dup (NM_001367247.1); and 1 more; short protein forms N550fs, N612fs, N611fs.
Identifiers: ClinVar variation 98754 (VCV000098754.2), dbSNP rs62635014, ClinGen allele CA226378.

ClinVar aggregate classification (germline): Pathogenic. Review status: reviewed by expert panel (3 of 4 stars). 2 submissions from 2 submitters: Pathogenic (1). 1 of the submissions does not count toward it. Last evaluated 2026-01-25.

Conditions:
RPGR-related retinopathy. Also called: RPGR retinopathy. Identifiers: MedGen CN305589, MONDO:0100437.

Submissions (2):

ClinGen X-linked Inherited Retinal Disease Variant Curation Expert Panel, ClinGen
Classification: Pathogenic for RPGR-related retinopathy. Last evaluated: 2026-01-25. Review status: reviewed by expert panel. Criteria: ClinGen X LinkedIRD ACMG Specifications RPGR V1.0.0. Collection method: curation. Allele origin: germline. Inheritance: X-linked inheritance.
Comment: NM_001034853.2(RPGR):c.1835dup (p.Asn612LysfsTer18) is a frameshift variant due to a one-nucleotide duplication introducing a premature stop codon in exon 15 of 15 that is predicted to disrupt a critical C-terminal region required for proper glutamylation of RPGR (PVS1, PMID: 36445968). This variant is absent from gnomAD v4.1.0 (PM2_Supporting). At least one male proband harboring this variant exhibits a phenotype including a family history consistent with X-linked inheritance (2 pts), first-decade onset (1 pt), decreased central visual acuity (0.5 pts), moderate myopia (0.5 pts), and visual field constriction (0.5 pts), which together are specific for RPGR-related retinopathy (4 points, PMID: 10937588, PP4). In summary, this variant is classified as pathogenic for RPGR-related retinopathy based on the ClinGen X-linked Inherited Retinal Disease Expert Panel Specifications to the ACMG/AMP Variant Interpretation Guidelines for RPGR Version 1.0.0; PVS1, PM2_Supporting, PP4.

Retina International
No classification provided. Review status: no classification provided. Collection method: not provided. Allele origin: not provided. Not counted in ClinVar's aggregate classification.